The following is an entry in ClinVar:

NM_007294.4(BRCA1):c.3770_3777del (p.Glu1257fs)

Genes: BRCA1 (BRCA1 DNA repair associated; minus strand), LOC126862571 (BRD4-independent group 4 enhancer GRCh37_chr17:41243136-41244335; plus strand). Cytogenetic location: 17q21.31.
Variant type: Deletion.
Coding change: c.3770_3777del on transcript NM_007294.4 (MANE Select); coding-DNA positions 3770 to 3777, 8 bases deleted (AGGAGAAT; older notation c.3770_3777delAGGAGAAT).
Protein change: p.Glu1257fs; shifts the reading frame from glutamic acid 1257.
Molecular consequence: frameshift variant. On other transcripts: intron variant (135).
Genome position (GRCh38, 1-based): chr17:43,091,754-43,091,761, ATTCTCCT deleted on the plus strand (AGGAGAAT on the coding strand, the reverse complement: BRCA1 is on the minus strand). VCF-style (leftmost placement, unchanged base first): chr17-43091753-AATTCTCCT-A. GRCh37 (hg19) VCF-style: chr17-41243770-AATTCTCCT-A.
Other names: c.3692_3699del, p.Glu1231fs (NM_001407657.1, NM_001407658.1, NM_001407663.1 and 4 more transcripts); c.3689_3696del, p.Glu1230fs (NM_001407659.1, NM_001407660.1, NM_001407661.1 and 1 more transcripts); c.3647_3654del, p.Glu1216fs (NM_001407664.1, NM_001407665.1, NM_001407666.1 and 19 more transcripts); c.3644_3651del, p.Glu1215fs (NM_001407670.1, NM_001407671.1, NM_001407672.1 and 11 more transcripts); c.3770_3777del, p.Glu1257fs (NM_001407684.1, NM_001407854.1, NM_001407858.1 and 30 more transcripts); c.3629_3636del, p.Glu1210fs (NM_001407692.1, NM_001407694.1, NM_001407695.1 and 29 more transcripts); c.3626_3633del, p.Glu1209fs (NM_001407740.1, NM_001407741.1, NM_001407742.1 and 20 more transcripts); c.3557_3564del, p.Glu1186fs (NM_001407853.1, NM_001407894.1, NM_001407895.1 and 9 more transcripts); and 41 more; short protein forms E1210fs, E1257fs, E1146fs, E1190fs, E1230fs, E1256fs, E1130fs, E1215fs.
Identifiers: ClinVar variation 254443 (VCV000254443.3), dbSNP rs886038024, ClinGen allele CA10586618.
Genomic context (GRCh38, chr17:43,091,753, plus strand): 5'-ATGCCTTTGCCAATATTACCTGGTTACTGCAGTCATTTAAGCTATTCTTCAATGATAATA[AATTCTCCT>A]CTGTGTTCTTAGACAGACACTCGGTAGCAACGGTGCTATGCCTAGTAGACTGAGAAGGTA-3'

ClinVar aggregate classification (germline): Pathogenic (3 of 4 stars; one submission).

Conditions:
Breast-ovarian cancer, familial, susceptibility to, 1 (BROVCA1). Also called: BRCA1 Hereditary Breast and Ovarian Cancer; OVARIAN CANCER, SUSCEPTIBILITY TO. Identifiers: Orphanet 145, MedGen C2676676, MONDO:0011450, OMIM 604370. Disease mechanism: loss of function.

Submission:

Evidence-based Network for the Interpretation of Germline Mutant Alleles (ENIGMA)
Classification: Pathogenic for Breast-ovarian cancer, familial, susceptibility to, 1. Last evaluated: 2016-09-08. Review status: reviewed by expert panel. Criteria: ENIGMA BRCA1/2 Classification Criteria (2015). Collection method: curation. Allele origin: germline.
Comment: Variant allele predicted to encode a truncated non-functional protein.